The following is an entry in ClinVar:

ClinVar aggregate classification (germline): Pathogenic. Review status: reviewed by expert panel (3 of 4 stars). 14 submissions from 14 submitters: Pathogenic (1). 13 of the submissions do not count toward it. Last evaluated 2016-09-08.

Conditions:
Hereditary breast ovarian cancer syndrome. Also called: Hereditary breast and ovarian cancer syndrome; Hereditary breast and ovarian cancer; Hereditary breast and ovarian cancer syndrome (HBOC); Breast and ovarian cancer; Hereditary breast and/or ovarian cancer syndrome; BRCA1- and BRCA2-Associated Hereditary Breast and Ovarian Cancer. Identifiers: Orphanet 145, MedGen C0677776, MeSH D061325, MONDO:0003582. Disease mechanism: loss of function.
Malignant tumor of breast. Also called: Malignant breast neoplasm; Cancer breast. Identifiers: MedGen C0006142, MONDO:0007254. Disease mechanism: loss of function.
Hereditary cancer-predisposing syndrome. Also called: Neoplastic Syndromes, Hereditary; Tumor predisposition; Hereditary neoplastic syndrome; Hereditary Cancer Syndrome. Identifiers: Orphanet 140162, MedGen C0027672, MeSH D009386, MONDO:0015356.
Breast-ovarian cancer, familial, susceptibility to, 2 (BROVCA2). Also called: BRCA2 Hereditary Breast and Ovarian Cancer. Identifiers: Orphanet 145, MedGen C2675520, MONDO:0012933, OMIM 612555. Disease mechanism: loss of function.
Familial cancer of breast. Also called: BREAST CANCER, FAMILIAL; Hereditary breast cancer; hereditary breast carcinoma. Identifiers: Orphanet 227535, MedGen C0346153, MONDO:0016419, OMIM 114480. Disease mechanism: loss of function.

Submissions (14):

Evidence-based Network for the Interpretation of Germline Mutant Alleles (ENIGMA)
Classification: Pathogenic for Breast-ovarian cancer, familial, susceptibility to, 2. Last evaluated: 2016-09-08. Review status: reviewed by expert panel. Criteria: ENIGMA BRCA1/2 Classification Criteria (2015). Collection method: curation. Allele origin: germline.
Comment: Variant allele predicted to encode a truncated non-functional protein.

Labcorp Genetics (formerly Invitae), Labcorp
Classification: Pathogenic for Hereditary breast ovarian cancer syndrome. Last evaluated: 2025-12-10. Review status: criteria provided, single submitter. Criteria: Invitae Variant Classification Sherloc (09022015). Collection method: clinical testing. Allele origin: germline. Not counted in ClinVar's aggregate classification.
Comment: This sequence change creates a premature translational stop signal (p.Ile332Phefs*17) in the BRCA2 gene. It is expected to result in an absent or disrupted protein product. Loss-of-function variants in BRCA2 are known to be pathogenic (PMID: 20104584). This variant is not present in population databases (gnomAD no frequency). This premature translational stop signal has been observed in individual(s) with a personal and/or family history of breast and/or ovarian cancer (PMID: 10506595, 22798144, 24549055, 28205045). This variant is also known as 1222delA. ClinVar contains an entry for this variant (Variation ID: 52924). For these reasons, this variant has been classified as Pathogenic.

Center for Genomic Medicine, Rigshospitalet, Copenhagen University Hospital
Classification: Pathogenic. Last evaluated: 2025-03-04. Review status: criteria provided, single submitter. Criteria: ACMG Guidelines, 2015. Collection method: clinical testing. Allele origin: germline. Not counted in ClinVar's aggregate classification.

Molecular Pathology, Peter Maccallum Cancer Centre
Classification: Pathogenic for Breast-ovarian cancer, familial, susceptibility to, 2. Last evaluated: 2024-08-01. Review status: criteria provided, single submitter. Criteria: ACMG Guidelines, 2015. Collection method: clinical testing. Allele origin: germline. Inheritance: Autosomal dominant inheritance. Not counted in ClinVar's aggregate classification.

Ambry Genetics
Classification: Pathogenic for Hereditary cancer-predisposing syndrome. Last evaluated: 2023-09-08. Review status: criteria provided, single submitter. Criteria: Ambry Variant Classification Scheme 2023. Collection method: clinical testing. Allele origin: germline. Not counted in ClinVar's aggregate classification.
Comment: The c.994delA pathogenic mutation, located in coding exon 9 of the BRCA2 gene, results from a deletion of one nucleotide at nucleotide position 994, causing a translational frameshift with a predicted alternate stop codon (p.I332Ffs*17). This alteration has been detected in multiple families with breast and/or ovarian cancer (Turner BC et al, J. Clin. Oncol. 1999 Oct; 17(10):3017-24; Kim H et al. Breast Cancer Res. Treat., 2012 Aug;134:1315-26; Park B et al. Breast Cancer Res. Treat., 2017 May;163:139-150; Rebbeck TR et al. Hum. Mutat., 2018 05;39:593-620). Of note, this alteration is also designated as 1222delA in published literature. In addition to the clinical data presented in the literature, this alteration is expected to result in loss of function by premature protein truncation or nonsense-mediated mRNA decay. As such, this alteration is interpreted as a disease-causing mutation.

Institute for Clinical Genetics, University Hospital TU Dresden, University Hospital TU Dresden
Classification: Pathogenic. Last evaluated: 2021-11-03. Review status: criteria provided, single submitter. Criteria: ACMG Guidelines, 2015. Collection method: clinical testing. Allele origin: germline. Not counted in ClinVar's aggregate classification.

GeneDx
Classification: Pathogenic. Last evaluated: 2021-10-26. Review status: criteria provided, single submitter. Criteria: GeneDx Variant Classification Process June 2021. Collection method: clinical testing. Allele origin: germline. Affected: yes. Not counted in ClinVar's aggregate classification.
Comment: Frameshift variant predicted to result in protein truncation or nonsense mediated decay in a gene for which loss-of-function is a known mechanism of disease; Observed in individuals with a personal or family history consistent with pathogenic variants in this gene (Turner 1999, Fackenthal 2012, Kim 2012, Kang 2015, Rebbeck 2018); Not observed at significant frequency in large population cohorts (Lek 2016); Truncating variants in this gene are considered pathogenic by a well-established clinical consortium and/or database; Also known as 1222delA; This variant is associated with the following publications: (PMID: 10506595, 24156927, 28205045, 28392550, 29446198, 29673794, 31825140, 31002019, 26187060, 24549055, 31026599, 22034289, 22798144, 25863477)

Color Diagnostics, LLC DBA Color Health
Classification: Pathogenic for Hereditary cancer-predisposing syndrome. Last evaluated: 2020-01-15. Review status: criteria provided, single submitter. Criteria: ACMG Guidelines, 2015. Collection method: clinical testing. Allele origin: germline. Not counted in ClinVar's aggregate classification.
Comment: This variant deletes 1 nucleotide in exon 10 of the BRCA2 gene, creating a frameshift and premature translation stop signal. This variant is expected to result in an absent or non-functional protein product. This variant has not been identified in the general population by the Genome Aggregation Database (gnomAD). Loss of BRCA2 function is a known mechanism of disease. Based on the available evidence, this variant is classified as Pathogenic.

Quest Diagnostics Nichols Institute San Juan Capistrano
Classification: Pathogenic. Last evaluated: 2019-09-30. Review status: criteria provided, single submitter. Criteria: Quest Diagnostics criteria. Collection method: clinical testing. Allele origin: unknown. Not counted in ClinVar's aggregate classification.
Comment: The variant results in a shift of the reading frame, and is therefore predicted to result in the loss of a functional protein. Found in at least one patient with expected phenotype for this gene, and not found in general population data.

GeneKor MSA
Classification: Pathogenic for Familial cancer of breast. Last evaluated: 2016-07-01. Review status: criteria provided, single submitter. Criteria: ACMG Guidelines, 2015. Collection method: clinical testing. Allele origin: germline. Affected: yes. Not counted in ClinVar's aggregate classification.

Consortium of Investigators of Modifiers of BRCA1/2 (CIMBA), c/o University of Cambridge
Classification: Pathogenic for Breast-ovarian cancer, familial, susceptibility to, 2. Last evaluated: 2015-10-02. Review status: criteria provided, single submitter. Criteria: CIMBA Mutation Classification guidelines May 2016. Collection method: clinical testing. Allele origin: germline. Not counted in ClinVar's aggregate classification.

Research Molecular Genetics Laboratory, Women's College Hospital, University of Toronto
Classification: Pathogenic for Hereditary breast ovarian cancer syndrome. Last evaluated: 2014-01-31. Review status: no assertion criteria provided. Collection method: research. Allele origin: germline. Affected: yes. Study: The Canadian Open Genetics Repository (COGR). Not counted in ClinVar's aggregate classification.

Breast Cancer Information Core (BIC) (BRCA2)
Classification: Pathogenic for Breast-ovarian cancer, familial 2. Last evaluated: 1998-04-02. Review status: no assertion criteria provided. Collection method: clinical testing. Allele origin: germline. Affected: yes. Observed: 3 variant alleles. Not counted in ClinVar's aggregate classification.

Department of Pathology and Laboratory Medicine, Sinai Health System
Classification: Pathogenic for Malignant tumor of breast. Review status: no assertion criteria provided. Collection method: clinical testing. Allele origin: unknown. Affected: yes. Study: The Canadian Open Genetics Repository (COGR). Not counted in ClinVar's aggregate classification.
Comment: The p.Ile332PhefsX17 variant was not identified in the literature. The variant was identified in dbSNP (ID: rs80359778) â€šÃ„ÃºWith Pathogenic alleleâ€šÃ„Ã¹, LOVD, the ClinVar database (classified as a pathogenic variant by BIC), the BIC database (3X with clinical importance), and UMD (1X as a causal variant). The p.Ile332PhefsX17 deletion variant is predicted to cause a frameshift, which alters the protein's amino acid sequence beginning at codon 332 and leads to a premature stop codon 17 codons downstream. This alteration is then predicted to result in a truncated or absent protein and loss of function. Loss of function variants of the BRCA2 gene are an established mechanism of disease in hereditary breast and ovarian cancer and is the type of variant expected to cause the disorder. In summary, based on the above information, this variant meets our laboratoryâ€šÃ„Ã´s criteria to be classified as pathogenic.

Literature cited by the submitters: PubMed 20104584 (cited by Labcorp Genetics (formerly Invitae), Labcorp); PubMed 10506595 (cited by 3 submitters); PubMed 22798144 (cited by 3 submitters); PubMed 24549055 (cited by Labcorp Genetics (formerly Invitae), Labcorp); PubMed 28205045 (cited by 4 submitters); PubMed 34645131 (cited by Center for Genomic Medicine, Rigshospitalet, Copenhagen University Hospital); PubMed 26187060 (cited by Ambry Genetics); PubMed 29446198 (cited by Ambry Genetics); PubMed 31825140 (cited by Ambry Genetics); PubMed 25863477 (cited by Quest Diagnostics Nichols Institute San Juan Capistrano); PubMed 24156927 (cited by Quest Diagnostics Nichols Institute San Juan Capistrano); PubMed 29673794 (cited by Quest Diagnostics Nichols Institute San Juan Capistrano); PubMed 26295337 (cited by Quest Diagnostics Nichols Institute San Juan Capistrano).

NM_000059.4(BRCA2):c.994del (p.Ile332fs)

Gene: BRCA2 (BRCA2 DNA repair associated; plus strand). Cytogenetic location: 13q13.1.
Variant type: Deletion.
Coding change: c.994del on transcript NM_000059.4 (MANE Select); coding-DNA position 994, one base deleted (A; older notation c.994delA).
Protein change: p.Ile332fs; shifts the reading frame from isoleucine 332.
Molecular consequence: frameshift variant.
Genome position (GRCh38, 1-based): chr13:32,332,472, A deleted; the last of 7 consecutive A bases (chr13:32,332,466-32,332,472); deleting any one gives the same sequence. VCF-style (leftmost placement, unchanged base first): chr13-32332465-GA-G. GRCh37 (hg19) VCF-style: chr13-32906602-GA-G.
Other names: 1222delA; c.994delA (NM_000059.3).
Identifiers: ClinVar variation 52924 (VCV000052924.30), dbSNP rs80359777, ClinGen allele CA026345.